The following is an entry in ClinVar:

ClinVar aggregate classification (germline): Uncertain significance (1 of 4 stars; one submission).

Conditions:
Intellectual disability, X-linked 61 (TOKAS). Also called: TONNE-KALSCHEUER SYNDROME. Identifiers: MedGen C4283894, MONDO:0010506, OMIM 300978.

gnomAD v4.1: 14 of 1,208,061 alleles (0.0012%); highest among the groups gnomAD compares: Non-Finnish European, 0.0013%; no homozygotes.

Submission:

Clinical Genomics Laboratory, Washington University in St. Louis
Classification: Uncertain significance for Intellectual disability, X-linked 61. Last evaluated: 2025-04-28. Review status: criteria provided, single submitter. Criteria: ACMG Guidelines, 2015. Collection method: clinical testing. Allele origin: germline.
Comment: The RLIM c.221G>A (p.Gly74Asp) variant, to our knowledge, has not been reported in the medical literature. This variant is absent from the general population (gnomAD v2.1.1), indicating it is not a common variant. Computational predictors suggest that the variant does not impact RLIM function. Due to limited information, and based on ACMG/AMP guidelines for variant interpretation (Richards S et al., PMID: 25741868), the clinical significance of this variant is uncertain at this time.

NM_016120.4(RLIM):c.221G>A (p.Gly74Asp)

Gene: RLIM (ring finger protein, LIM domain interacting; minus strand). Cytogenetic location: Xq13.2.
Variant type: single nucleotide variant.
Coding change: c.221G>A on transcript NM_016120.4 (MANE Select); coding-DNA position 221, G replaced by A.
Protein change: p.Gly74Asp; replaces glycine 74 with aspartic acid.
Molecular consequence: missense variant.
Genome position (GRCh38, 1-based): chrX:74,594,338, C>T on the plus strand (G>A on the coding strand, the complement: RLIM is on the minus strand). VCF-style: chrX-74594338-C-T. GRCh37 (hg19) VCF-style: chrX-73814173-C-T.
Other names: c.221G>A, p.Gly74Asp (NM_183353.3); short protein forms G74D.
Identifiers: ClinVar variation 4279732 (VCV004279732.1).
Genomic context (GRCh38, chrX:74,594,338, plus strand): 5'-CCACCTCCCCACCAAAACCAAAACATACCTCTATTTTCATCTGAGTTTTGCGGTGGTGGG[C>T]CTTCTTTAATTTGCTGTAGTCGTCTCAGCAACTCTTCCTCAGTACTTTCACCTGAAATTT-3'
Protein context (NP_057204.2, residues 64-84): LLRRLQQIKE[Gly74Asp]PPPQNSDENR